The following is an entry in ClinVar:

NM_001382347.1(MYO5A):c.4952-25_4952-23del

Gene: MYO5A (myosin VA; minus strand). Cytogenetic location: 15q21.2.
Variant type: Deletion.
Coding change: c.4952-25_4952-23del on transcript NM_001382347.1 (MANE Select); 25 bases into the intron before coding-DNA position 4952 through 23 bases into the intron before coding-DNA position 4952, 3 bases deleted (TCT; older notation c.4952-25_4952-23delTCT).
Molecular consequence: intron variant.
Genome position (GRCh38, 1-based): chr15:52,319,365-52,319,367, AGA deleted on the plus strand (TCT on the coding strand, the reverse complement: MYO5A is on the minus strand). VCF-style (leftmost placement, unchanged base first): chr15-52319364-TAGA-T. GRCh37 (hg19) VCF-style: chr15-52611561-TAGA-T.
Other names: c.4877-25_4877-23del (NM_000259.3); c.4868-25_4868-23del (NM_001411135.1); c.4796-25_4796-23del (NM_001142495.2); c.4949-25_4949-23del (NM_001382349.1); c.5024-25_5024-23del (NM_001382348.1); c.4877-25_4877-23delTCT (NM_000259.3).
Identifiers: ClinVar variation 3039602 (VCV003039602.2), dbSNP rs2543406296, ClinGen allele CA2740096715.
Genomic context (GRCh38, chr15:52,319,364, plus strand): 5'-ACACGCCCTGAATCGTTTCATGTTCCAGCATGCCTGAGACTGCAGGAGTATTTCAATTGT[TAGA>T]GGAGATGATGTGGAAGGGAACCTTTCATGTGCACATATCCATGTGCACAAACACATGCAC-3'

ClinVar aggregate classification (germline): Likely benign (0 of 4 stars; one submission).

Conditions:
MYO5A-related disorder. Also called: MYO5A-related condition.

Submission:

PreventionGenetics, part of Exact Sciences
Classification: Likely benign for MYO5A-related condition. Last evaluated: 2019-05-28. Review status: no assertion criteria provided. Collection method: clinical testing. Allele origin: germline.
Comment: This variant is classified as likely benign based on ACMG/AMP sequence variant interpretation guidelines (Richards et al. 2015 PMID: 25741868, with internal and published modifications).